The following is an entry in ClinVar:

NM_000169.3(GLA):c.749A>C (p.Gln250Pro)

Genes: GLA (galactosidase alpha; minus strand), RPL36A-HNRNPH2 (RPL36A-HNRNPH2 readthrough; plus strand). Cytogenetic location: Xq22.1.
Variant type: single nucleotide variant.
Coding change: c.749A>C on transcript NM_000169.3 (MANE Select); coding-DNA position 749, A replaced by C.
Protein change: p.Gln250Pro; replaces glutamine 250 with proline.
Molecular consequence: missense variant. On other transcripts: non-coding transcript variant (3), intron variant (2).
Genome position (GRCh38, 1-based): chrX:101,398,837, T>G on the plus strand (A>C on the coding strand, the complement: GLA is on the minus strand). VCF-style: chrX-101398837-T-G. GRCh37 (hg19) VCF-style: chrX-100653825-T-G.
Other names: c.872A>C, p.Gln291Pro (NM_001406747.1); c.749A>C, p.Gln250Pro (NM_001406748.1); c.300+3380T>G (NM_001199973.2); c.177+7015T>G (NM_001199974.2); short protein forms Q250P, Q291P.
Identifiers: ClinVar variation 222379 (VCV000222379.11), dbSNP rs869312396, ClinGen allele CA352896.

ClinVar aggregate classification (germline): Pathogenic/Likely pathogenic. Review status: criteria provided, multiple submitters, no conflicts (2 of 4 stars). 2 submissions from 2 submitters: Pathogenic (1); Likely pathogenic (1). Last evaluated 2026-09-08.

Conditions:
Fabry disease. Also called: GLA DEFICIENCY; HEREDITARY DYSTOPIC LIPIDOSIS; Fabry's disease; Angiokeratoma corporis diffusum; Ceramide trihexosidosis; ALPHA-GALACTOSIDASE A DEFICIENCY. Identifiers: Orphanet 324, MedGen C0002986, MONDO:0010526, OMIM 301500, HP:0001071. Disease mechanism: loss of function, Fabry disease is due to inactivating mutations in the X-linked GLA gene resulting in deficiency of the enzyme Alpha Galactosidase-A..

Submissions (2):

Genomenon, Inc
Classification: Likely pathogenic for Fabry disease. Last evaluated: 2026-09-08. Review status: criteria provided, single submitter. Criteria: Genomenon Sequence Variant Interpretation Standards - Updated. Collection method: curation. Allele origin: germline. Affected: yes.
Comment: GLA p.Gln250Pro (c.749A>C) is a missense variant that changes the amino acid at codon 250 from Glutamine to Proline. This variant has been observed in at least one proband with clinical features consistent with Fabry disease (PMID:22878505;31372342;38395389;38892211;32843101;20409739;18555667). The variant was found to segregate with disease in at least one affected family (PMID:18555667;30988410). Functional or patient cell studies have been reported (PMID:32843101;32023956;20409739;22878505;27657681;31372342;18555667). It is absent or not present at a significant frequency in gnomAD. In silico models predict that this variant is possibly or probably damaging. In conclusion, we classify GLA p.Gln250Pro (c.749A>C) as a likely pathogenic variant.

Labcorp Genetics (formerly Invitae), Labcorp
Classification: Pathogenic for Fabry disease. Last evaluated: 2025-01-27. Review status: criteria provided, single submitter. Criteria: Invitae Variant Classification Sherloc (09022015). Collection method: clinical testing. Allele origin: germline.
Comment: This sequence change replaces glutamine, which is neutral and polar, with proline, which is neutral and non-polar, at codon 250 of the GLA protein (p.Gln250Pro). This variant is not present in population databases (gnomAD no frequency). This missense change has been observed in individuals with Fabry disease (PMID: 18555667, 27992580; internal data). ClinVar contains an entry for this variant (Variation ID: 222379). Invitae Evidence Modeling of protein sequence and biophysical properties (such as structural, functional, and spatial information, amino acid conservation, physicochemical variation, residue mobility, and thermodynamic stability) indicates that this missense variant is expected to disrupt GLA protein function with a positive predictive value of 80%. For these reasons, this variant has been classified as Pathogenic.

Literature cited by the submitters: PubMed 22878505 (cited by Genomenon, Inc); PubMed 31372342 (cited by Genomenon, Inc); PubMed 38395389 (cited by Genomenon, Inc); PubMed 38892211 (cited by Genomenon, Inc); PubMed 32843101 (cited by Genomenon, Inc); PubMed 20409739 (cited by Genomenon, Inc); PubMed 18555667 (cited by Genomenon, Inc and Labcorp Genetics (formerly Invitae), Labcorp); PubMed 30988410 (cited by Genomenon, Inc); PubMed 32023956 (cited by Genomenon, Inc); PubMed 27657681 (cited by Genomenon, Inc); PubMed 27992580 (cited by Labcorp Genetics (formerly Invitae), Labcorp).